The following is an entry in ClinVar:

ClinVar aggregate classification (germline): Uncertain significance (1 of 4 stars; one submission).

Conditions:
Atypical hemolytic-uremic syndrome. Identifiers: Orphanet 2134, MedGen C2931788, MONDO:0016244.

Submission:

Genomenon, Inc
Classification: Uncertain significance for Atypical hemolytic-uremic syndrome. Last evaluated: 2025-09-30. Review status: criteria provided, single submitter. Criteria: Genomenon Sequence Variant Interpretation Standards. Collection method: curation. Allele origin: germline. Affected: yes.
Comment: C3 p.Phe603Val (c.1807T>G) is a missense variant that changes the amino acid at residue 603 from Phenylalanine to Valine. This variant has been observed in at least one proband affected with atypical hemolytic-uremic syndrome (PMID:25608561). Functional studies have been reported; however, the significance of the findings remain unclear (PMID:25608561). It is absent or not present at a significant frequency in gnomAD. In conclusion, we classify C3 p.Phe603Val (c.1807T>G) as a variant of unknown significance.

Literature cited by the submitters: PubMed 25608561.

NM_000064.4(C3):c.1807T>G (p.Phe603Val)

Gene: C3 (complement C3; minus strand). Cytogenetic location: 19p13.3.
Variant type: single nucleotide variant.
Coding change: c.1807T>G on transcript NM_000064.4 (MANE Select); coding-DNA position 1807, T replaced by G.
Protein change: p.Phe603Val; replaces phenylalanine 603 with valine.
Molecular consequence: missense variant.
Genome position (GRCh38, 1-based): chr19:6,709,722, A>C on the plus strand (T>G on the coding strand, the complement: C3 is on the minus strand). VCF-style: chr19-6709722-A-C. GRCh37 (hg19) VCF-style: chr19-6709733-A-C.
Other names: short protein forms F603V.
Identifiers: ClinVar variation 4280149 (VCV004280149.1).